The following is an entry in ClinVar:

ClinVar aggregate classification (germline): Uncertain significance (1 of 4 stars; one submission).

gnomAD v4.1: 1 of 1,614,138 alleles (0.000062%); highest among the groups gnomAD compares: Non-Finnish European, 0.000085%; no homozygotes.

Submission:

GeneDx
Classification: Uncertain significance. Last evaluated: 2023-05-22. Review status: criteria provided, single submitter. Criteria: GeneDx Variant Classification Process June 2021. Collection method: clinical testing. Allele origin: germline. Affected: yes.
Comment: Not observed at significant frequency in large population cohorts (gnomAD); In silico analysis supports that this missense variant does not alter protein structure/function; Has not been previously published as pathogenic or benign to our knowledge

NM_001122659.3(EDNRB):c.319G>T (p.Val107Leu)

Gene: EDNRB (endothelin receptor type B; minus strand). Cytogenetic location: 13q22.3.
Variant type: single nucleotide variant.
Coding change: c.319G>T on transcript NM_001122659.3 (MANE Select); coding-DNA position 319, G replaced by T.
Protein change: p.Val107Leu; replaces valine 107 with leucine.
Molecular consequence: missense variant.
Genome position (GRCh38, 1-based): chr13:77,918,255, C>A on the plus strand (G>T on the coding strand, the complement: EDNRB is on the minus strand). VCF-style: chr13-77918255-C-A. GRCh37 (hg19) VCF-style: chr13-78492390-C-A.
Other names: c.319G>T, p.Val107Leu (NM_000115.5, NM_003991.4); c.589G>T, p.Val197Leu (NM_001201397.2); short protein forms V107L, V197L.
Identifiers: ClinVar variation 3343601 (VCV003343601.1).